The following is an entry in ClinVar:

NM_000540.3(RYR1):c.10348-12T>C

Gene: RYR1 (ryanodine receptor 1; plus strand). Cytogenetic location: 19q13.2.
Variant type: single nucleotide variant.
Coding change: c.10348-12T>C on transcript NM_000540.3 (MANE Select); 12 bases into the intron before coding-DNA position 10348, T replaced by C.
Molecular consequence: intron variant.
Genome position (GRCh38, 1-based): chr19:38,523,205, T>C. VCF-style: chr19-38523205-T-C. GRCh37 (hg19) VCF-style: chr19-39013845-T-C.
Other names: c.10348-12T>C (NM_001042723.2).
Identifiers: ClinVar variation 3074138 (VCV003074138.1), dbSNP rs1360025776, ClinGen allele CA632878117.

ClinVar aggregate classification (germline): Likely benign (1 of 4 stars; one submission).

Conditions:
Malignant hyperthermia, susceptibility to, 1 (MHS1). Also called: Anesthesia related hyperthermia; Malignant hyperpyrexia; Fulminating hyperpyrexia; Pharmacogenic myopathy; RYR1-Related Malignant Hyperthermia Susceptibility; Malignant hyperthermia suceptibility 1. Identifiers: Orphanet 423, MedGen C2930980, MONDO:0007783, OMIM 145600.

Allele frequency attached by ClinVar (database versions not stated): gnomAD exomes below 0.00001.
gnomAD v4.1: 1 of 1,614,184 alleles (0.000062%); highest among the groups gnomAD compares: Non-Finnish European, 0.000085%; no homozygotes.

Submission:

All of Us Research Program, National Institutes of Health
Classification: Likely benign for Malignant hyperthermia, susceptibility to, 1. Last evaluated: 2023-10-23. Review status: criteria provided, single submitter. Criteria: ACMG Guidelines, 2015. Collection method: clinical testing. Allele origin: germline. Inheritance: Autosomal dominant inheritance. Observed: 1 variant allele, 1 heterozygote.
Comment: This study involves interpretation of variants in research participants for the purpose of population health screening. Participant phenotype was not available at the time of variant classification. Additional details can be found in publication PMID: 35346344, PMCID: PMC8962531